The following is an entry in ClinVar:

NM_000536.4(RAG2):c.914C>T (p.Pro305Leu)

Gene: RAG2 (recombination activating 2; minus strand). Cytogenetic location: 11p12.
Variant type: single nucleotide variant.
Coding change: c.914C>T on transcript NM_000536.4 (MANE Select); coding-DNA position 914, C replaced by T.
Protein change: p.Pro305Leu; replaces proline 305 with leucine.
Molecular consequence: missense variant.
Genome position (GRCh38, 1-based): chr11:36,593,255, G>A on the plus strand (C>T on the coding strand, the complement: RAG2 is on the minus strand). VCF-style: chr11-36593255-G-A. GRCh37 (hg19) VCF-style: chr11-36614805-G-A.
Other names: c.914C>T, p.Pro305Leu (NM_001243785.2, NM_001243786.2); short protein forms P305L.
Identifiers: ClinVar variation 2147765 (VCV002147765.4), dbSNP rs756192655, ClinGen allele CA5950502.

ClinVar aggregate classification (germline): Likely pathogenic (1 of 4 stars; one submission).

Conditions:
Severe combined immunodeficiency, autosomal recessive, T cell-negative, B cell-negative, NK cell-positive. Also called: SCID, T CELL-NEGATIVE, B CELL-NEGATIVE, NK CELL-POSITIVE; SCID, AR, T-cell negative, B-cell negative, NK cell-positive; Severe combined immunodeficiency due to complete RAG1/2 deficiency. Identifiers: Orphanet 331206, MedGen C1832322, MONDO:0011086, OMIM 601457.
Combined immunodeficiency with skin granulomas. Identifiers: Orphanet 157949, MedGen C2673536, MONDO:0009306, OMIM 233650.

Allele frequency attached by ClinVar (database versions not stated): TOPMed below 0.00001; ExAC 0.00001; gnomAD 0.00001.
gnomAD v4.1: 12 of 1,614,020 alleles (0.00074%); highest among the groups gnomAD compares: Non-Finnish European, 0.001%; no homozygotes.

Submission:

Labcorp Genetics (formerly Invitae), Labcorp
Classification: Likely pathogenic for Combined immunodeficiency with skin granulomas; Severe combined immunodeficiency, autosomal recessive, T cell-negative, B cell-negative, NK cell-positive. Last evaluated: 2023-12-04. Review status: criteria provided, single submitter. Criteria: Invitae Variant Classification Sherloc (09022015). Collection method: clinical testing. Allele origin: germline.
Comment: This sequence change replaces proline, which is neutral and non-polar, with leucine, which is neutral and non-polar, at codon 305 of the RAG2 protein (p.Pro305Leu). This variant is present in population databases (rs756192655, gnomAD 0.002%). This variant has not been reported in the literature in individuals affected with RAG2-related conditions. ClinVar contains an entry for this variant (Variation ID: 2147765). Advanced modeling of protein sequence and biophysical properties (such as structural, functional, and spatial information, amino acid conservation, physicochemical variation, residue mobility, and thermodynamic stability) performed at Invitae indicates that this missense variant is expected to disrupt RAG2 protein function with a positive predictive value of 95%. This variant disrupts the p.Pro305 amino acid residue in RAG2. Other variant(s) that disrupt this residue have been determined to be pathogenic (PMID: 32655540). This suggests that this residue is clinically significant, and that variants that disrupt this residue are likely to be disease-causing. In summary, the currently available evidence indicates that the variant is pathogenic, but additional data are needed to prove that conclusively. Therefore, this variant has been classified as Likely Pathogenic.

Literature cited by the submitters: PubMed 32655540.